The following is an entry in ClinVar:

NM_004006.3(DMD):c.286del (p.Ser96fs)

Gene: DMD (dystrophin; minus strand). Cytogenetic location: Xp21.1.
Variant type: Deletion.
Coding change: c.286del on transcript NM_004006.3 (MANE Select); coding-DNA position 286, one base deleted (A; older notation c.286delA).
Protein change: p.Ser96fs; shifts the reading frame from serine 96.
Molecular consequence: frameshift variant. On other transcripts: 5 prime UTR variant (1).
Genome position (GRCh38, 1-based): chrX:32,823,366, T deleted on the plus strand (A on the coding strand, the reverse complement: DMD is on the minus strand); the first of 2 consecutive T bases (chrX:32,823,366-32,823,367); deleting either gives the same sequence. VCF-style (leftmost placement, unchanged base first): chrX-32823365-CT-C. GRCh37 (hg19) VCF-style: chrX-32841482-CT-C.
Other names: c.262del, p.Ser88fs (NM_000109.4); c.274del, p.Ser92fs (NM_004009.3); c.-84del (NM_004010.3); c.286delA (NM_004006.2); short protein forms S88fs, S92fs, S96fs.
Identifiers: ClinVar variation 1375848 (VCV001375848.7), dbSNP rs2148850505, ClinGen allele CA2573158707.
Genomic context (GRCh38, chrX:32,823,365, plus strand): 5'-AGGATTATATTCCAAATCAAACCAAGAGTCAGTTTATGATTTCCATCTACGATGTCAGTA[CT>C]TCCAATATTCACTAAATCAACCTGTTAAAGAAAGGGGTAAAACATTTGAAGGTAAGAGAC-3'

ClinVar aggregate classification (germline): Pathogenic/Likely pathogenic. Review status: criteria provided, multiple submitters, no conflicts (2 of 4 stars). 2 submissions from 2 submitters: Pathogenic (1); Likely pathogenic (1). Last evaluated 2024-02-25.

Conditions:
Duchenne muscular dystrophy (DMD). Also called: MUSCULAR DYSTROPHY, PSEUDOHYPERTROPHIC PROGRESSIVE, DUCHENNE TYPE; Duchenne Muscular Dystrophy (DMD). Identifiers: Orphanet 98896, MedGen C0013264, MONDO:0010679, OMIM 310200.
Becker muscular dystrophy, Cardiomyopathy, Duchenne muscular dystrophy, Dystrophin deficiency.

Submissions (2):

Natera, Inc.
Classification: Likely pathogenic for Becker muscular dystrophy, Cardiomyopathy, Duchenne muscular dystrophy, Dystrophin deficiency. Last evaluated: 2024-02-25. Review status: criteria provided, single submitter. Criteria: Natera Variant Classification Schema (03/2026). Collection method: clinical testing. Allele origin: germline.
Comment: The c.286delA variant in DMD is a frameshift variant predicted to shift the reading frame beginning at codon 96 and leads to a stop codon 5 codons downstream. This variant is expected to result in nonsense mediated decay, truncation, or a dysfunctional protein product. This variant is rare in the general population with a frequency below the threshold expected for the associated phenotype(s). Given the available evidence, this variant is classified as Likely Pathogenic.

Labcorp Genetics (formerly Invitae), Labcorp
Classification: Pathogenic for Duchenne muscular dystrophy. Last evaluated: 2021-12-14. Review status: criteria provided, single submitter. Criteria: Invitae Variant Classification Sherloc (09022015). Collection method: clinical testing. Allele origin: germline.
Comment: For these reasons, this variant has been classified as Pathogenic. This variant has not been reported in the literature in individuals affected with DMD-related conditions. This variant is not present in population databases (gnomAD no frequency). This sequence change creates a premature translational stop signal (p.Ser96Valfs*5) in the DMD gene. It is expected to result in an absent or disrupted protein product. Loss-of-function variants in DMD are known to be pathogenic (PMID: 16770791, 25007885).

Literature cited by the submitters: PubMed 16770791 (cited by Labcorp Genetics (formerly Invitae), Labcorp); PubMed 25007885 (cited by Labcorp Genetics (formerly Invitae), Labcorp).